The following is an entry in ClinVar:

ClinVar aggregate classification (germline): Likely pathogenic (3 of 4 stars; one submission).

Conditions:
Monogenic diabetes. Identifiers: Orphanet 183625, MedGen C3888631, MONDO:0015967.

Submission:

ClinGen Monogenic Diabetes Variant Curation Expert Panel
Classification: Likely pathogenic for Monogenic diabetes. Last evaluated: 2022-04-04. Review status: reviewed by expert panel. Criteria: ClinGen Diabetes ACMG Specifications v1 1. Collection method: curation. Allele origin: germline. Inheritance: Autosomal dominant inheritance.
Comment: The c.206delG variant in the HNF1 homeobox A gene, HNF1A, causes a frameshift in the protein at codon 69 (NM_000545.8), adding 86 novel amino acids before encountering a stop codon (p.(Gly69AlafsTer86)). This variant, located in biologically-relevant exon 1 of 10, is predicted to lead to nonsense mediated decay in a gene in which loss-of-function is an established disease mechanism (PVS1; PMID: 23348805). Additionally, this variant is absent from gnomAD v2.1.1 (PM2_Supporting). This variant was identified in an individual with a clinical history suggestive of HNF1A-MODY (MODY probability calculator result >50%); however, HNF4A was not tested, and PP4 could not be applied (PMID: 18003757, internal lab contributor). This variant segregated with diabetes with one informative meiosis in a single family; however, this does not meet the thresholds for PP1 set by the ClinGen MDEP (PMID: 27236918, internal lab contributor). In summary, c.209delG meets the criteria to be classified as likely pathogenic for monogenic diabetes. ACMG/AMP criteria applied, as specified by the ClinGen MDEP (specification version 1.0, approved 9/30/21): PVS1, PM2_Supporting.

NM_000545.8(HNF1A):c.206del (p.Gly69fs)

Gene: HNF1A (HNF1 homeobox A; plus strand). Cytogenetic location: 12q24.31.
Variant type: Deletion.
Coding change: c.206del on transcript NM_000545.8 (MANE Select); coding-DNA position 206, one base deleted (G; older notation c.206delG).
Protein change: p.Gly69fs; shifts the reading frame from glycine 69.
Molecular consequence: frameshift variant.
Genome position (GRCh38, 1-based): chr12:120,978,974, G deleted; the last of 4 consecutive G bases (chr12:120,978,971-120,978,974); deleting any one gives the same sequence. VCF-style (leftmost placement, unchanged base first): chr12-120978970-CG-C. GRCh37 (hg19) VCF-style: chr12-121416773-CG-C.
Other names: NM_001306179.2:c.206del; c.206del, p.Gly69fs (NM_001306179.2); short protein forms G69fs.
Identifiers: ClinVar variation 1676691 (VCV001676691.3), dbSNP rs2135819979, ClinGen allele CA2573051038.